The following is an entry in ClinVar:

NM_000152.5(GAA):c.1285C>G (p.Gln429Glu)

Gene: GAA (alpha glucosidase; plus strand). Cytogenetic location: 17q25.3.
Variant type: single nucleotide variant.
Coding change: c.1285C>G on transcript NM_000152.5 (MANE Select); coding-DNA position 1285, C replaced by G.
Protein change: p.Gln429Glu; replaces glutamine 429 with glutamic acid.
Molecular consequence: missense variant.
Genome position (GRCh38, 1-based): chr17:80,108,787, C>G. VCF-style: chr17-80108787-C-G. GRCh37 (hg19) VCF-style: chr17-78082586-C-G.
Other names: p.Gln429Glu; c.1285C>G, p.Gln429Glu (NM_001079803.3, NM_001079804.3); c.1285C>G (LRG_673t1); short protein forms Q429E.
Identifiers: ClinVar variation 291064 (VCV000291064.24), dbSNP rs528369909, ClinGen allele CA8815249.

ClinVar aggregate classification (germline): Benign/Likely benign. Review status: criteria provided, multiple submitters, no conflicts (2 of 4 stars). 9 submissions from 9 submitters: Benign (6); Likely benign (2). 1 of the submissions does not count toward it. Last evaluated 2026-08-01.

Conditions:
Cardiovascular phenotype. Identifiers: MedGen CN230736.
Glycogen storage disease, type II (IOPD). Also called: POMPE DISEASE, INFANTILE-ONSET; GLYCOGEN STORAGE DISEASE II, INFANTILE-ONSET; ACID ALPHA-GLUCOSIDASE DEFICIENCY, INFANTILE-ONSET; GAA DEFICIENCY, INFANTILE-ONSET; ACID MALTASE DEFICIENCY, INFANTILE-ONSET; Glucosidase acid-1,4-alpha deficiency. Identifiers: Orphanet 365, MedGen C0017921, MONDO:0009290, OMIM 232300.
GAA-related disorder. Also called: GAA-related condition.
Primary dilated cardiomyopathy (DCM). Also called: Dilated Cardiomyopathy. Identifiers: Orphanet 217604, MedGen C0007193, MeSH D002311, MONDO:0005021, HP:0001644. Inheritance: Various modes of inheritance.

Allele frequency attached by ClinVar (database versions not stated): gnomAD 0.00018 and 0.00038; TOPMed 0.00020; ExAC 0.00177; 1000 Genomes Project 30x 0.00219; 1000 Genomes Project 0.00240.
gnomAD v4.1: 748 of 1,607,578 alleles (0.047%); highest among the groups gnomAD compares: South Asian, 0.7%; 11 homozygotes.

Submissions (9):

CeGaT Center for Human Genetics Tuebingen
Classification: Likely benign. Last evaluated: 2026-08-01. Review status: criteria provided, single submitter. Criteria: CeGaT Center For Human Genetics Tuebingen Variant Classification Criteria Version 2. Collection method: clinical testing. Allele origin: germline. Affected: yes. Observed: 1 variant allele.
Comment: GAA: BP4, BS2

Labcorp Genetics (formerly Invitae), Labcorp
Classification: Benign for Glycogen storage disease, type II. Last evaluated: 2026-01-31. Review status: criteria provided, single submitter. Criteria: Invitae Variant Classification Sherloc (09022015). Collection method: clinical testing. Allele origin: germline.

Ambry Genetics
Classification: Benign for Cardiovascular phenotype. Last evaluated: 2024-04-25. Review status: criteria provided, single submitter. Criteria: Ambry Variant Classification Scheme 2023. Collection method: clinical testing. Allele origin: germline.

Mayo Clinic Laboratories, Mayo Clinic
Classification: Benign. Last evaluated: 2020-11-27. Review status: criteria provided, single submitter. Criteria: ACMG Guidelines, 2015. Collection method: clinical testing. Allele origin: germline. Observed: 2 variant alleles.

Women's Health and Genetics/Laboratory Corporation of America, LabCorp
Classification: Benign. Last evaluated: 2020-07-30. Review status: criteria provided, single submitter. Criteria: LabCorp Variant Classification Summary - May 2015. Collection method: clinical testing. Allele origin: germline.
Comment: Variant summary: GAA c.1285C>G (p.Gln429Glu) results in a conservative amino acid change in the encoded protein sequence. Five of five in-silico tools predict a benign effect of the variant on protein function. The variant allele was found at a frequency of 0.001 in 233994 control chromosomes, predominantly at a frequency of 0.0079 within the South Asian subpopulation in the gnomAD database, including 5 homozygotes. The observed variant frequency within South Asian control individuals in the gnomAD database is approximately 2 fold of the estimated maximal expected allele frequency for a pathogenic variant in GAA causing Glycogen Storage Disease, Type 2 (Pompe Disease) phenotype (0.0042), strongly suggesting that the variant is a benign polymorphism found primarily in populations of South Asian origin. To our knowledge, no occurrence of c.1285C>G in individuals affected with Glycogen Storage Disease, Type 2 (Pompe Disease) and no experimental evidence demonstrating its impact on protein function have been reported. Four ClinVar submitters (evaluation after 2014) cite the variant as benign (3x) and likely benign (1x). Based on the evidence outlined above, the variant was classified as benign.

GeneDx
Classification: Likely benign. Last evaluated: 2019-12-02. Review status: criteria provided, single submitter. Criteria: GeneDx Variant Classification Process June 2021. Collection method: clinical testing. Allele origin: germline. Affected: yes.

Center for Advanced Laboratory Medicine, UC San Diego Health, University of California San Diego
Classification: Benign for Dilated cardiomyopathy. Last evaluated: 2018-01-05. Review status: criteria provided, single submitter. Criteria: ACMG Guidelines, 2015. Collection method: clinical testing. Allele origin: germline. Affected: yes. Observed: 1 variant allele.

Eurofins Ntd Llc (ga)
Classification: Benign. Last evaluated: 2016-09-19. Review status: criteria provided, single submitter. Criteria: EGL Classification Definitions 2015. Collection method: clinical testing. Allele origin: germline. Observed: 1 variant allele, 1 heterozygote.

PreventionGenetics, part of Exact Sciences
Classification: Benign for GAA-related condition. Last evaluated: 2024-07-11. Review status: no assertion criteria provided. Collection method: clinical testing. Allele origin: germline. Not counted in ClinVar's aggregate classification.
Comment: This variant is classified as benign based on ACMG/AMP sequence variant interpretation guidelines (Richards et al. 2015 PMID: 25741868, with internal and published modifications).